The following is an entry in ClinVar:

ClinVar aggregate classification (germline): Uncertain significance (1 of 4 stars; one submission).

Allele frequency attached by ClinVar (database versions not stated): gnomAD exomes 0.00001; gnomAD 0.00001; ExAC 0.00002.
gnomAD v4.1: 9 of 1,597,148 alleles (0.00056%); highest among the groups gnomAD compares: Admixed American, 0.0017%; no homozygotes.

Submission:

Labcorp Genetics (formerly Invitae), Labcorp
Classification: Uncertain significance. Last evaluated: 2025-11-07. Review status: criteria provided, single submitter. Criteria: Invitae Variant Classification Sherloc (09022015). Collection method: clinical testing. Allele origin: germline.
Comment: This sequence change creates a premature translational stop signal (p.Arg64*) in the POLE2 gene. It is expected to result in an absent or disrupted protein product. However, the current clinical and genetic evidence is not sufficient to establish whether loss-of-function variants in POLE2 cause disease. This variant is present in population databases (rs765702439, gnomAD 0.006%). This variant has not been reported in the literature in individuals affected with POLE2-related conditions. ClinVar contains an entry for this variant (Variation ID: 1511346). Experimental studies and prediction algorithms are not available or were not evaluated, and the functional significance of this variant is currently unknown. Algorithms developed to predict the effect of sequence changes on RNA splicing suggest that this variant may disrupt the consensus splice site. In summary, the available evidence is currently insufficient to determine the role of this variant in disease. Therefore, it has been classified as a Variant of Uncertain Significance.

NM_002692.4(POLE2):c.190C>T (p.Arg64Ter)

Gene: POLE2 (DNA polymerase epsilon 2, accessory subunit; minus strand). Cytogenetic location: 14q21.3.
Variant type: single nucleotide variant.
Coding change: c.190C>T on transcript NM_002692.4 (MANE Select); coding-DNA position 190, C replaced by T.
Protein change: p.Arg64Ter; replaces arginine 64 with a stop codon.
Molecular consequence: nonsense. On other transcripts: 5 prime UTR variant (1).
Genome position (GRCh38, 1-based): chr14:49,679,780, G>A on the plus strand (C>T on the coding strand, the complement: POLE2 is on the minus strand). VCF-style: chr14-49679780-G-A. GRCh37 (hg19) VCF-style: chr14-50146498-G-A.
Other names: c.190C>T, p.Arg64Ter (NM_001197330.2, NM_001197331.3, NM_001348384.2); c.-46C>T (NM_001348385.2); short protein forms R64*.
Identifiers: ClinVar variation 1511346 (VCV001511346.6), dbSNP rs765702439, ClinGen allele CA7173713.